The following is an entry in ClinVar:

NM_006005.3(WFS1):c.2233G>A (p.Gly745Ser)

Gene: WFS1 (wolframin ER transmembrane glycoprotein; plus strand). Cytogenetic location: 4p16.1.
Variant type: single nucleotide variant.
Coding change: c.2233G>A on transcript NM_006005.3 (MANE Select); coding-DNA position 2233, G replaced by A.
Protein change: p.Gly745Ser; replaces glycine 745 with serine.
Molecular consequence: missense variant.
Genome position (GRCh38, 1-based): chr4:6,302,028, G>A. VCF-style: chr4-6302028-G-A. GRCh37 (hg19) VCF-style: chr4-6303755-G-A.
Other names: c.2233G>A, p.Gly745Ser (NM_001145853.1); short protein forms G745S.
Identifiers: ClinVar variation 215369 (VCV000215369.26), dbSNP rs139185707, ClinGen allele CA325142.

ClinVar aggregate classification (germline): Benign/Likely benign. Review status: criteria provided, multiple submitters, no conflicts (2 of 4 stars). 11 submissions from 11 submitters: Benign (2); Likely benign (8). 1 of the submissions does not count toward it. Last evaluated 2026-01-27.

Conditions:
WFS1-related disorder. Identifiers: MedGen CN379391, MONDO:0700293.
Inborn genetic diseases. Identifiers: MedGen C0950123, MeSH D030342.
Monogenic diabetes. Identifiers: Orphanet 183625, MedGen C3888631, MONDO:0015967.
Wolfram syndrome 1 (WFS1). Identifiers: Orphanet 3463, MedGen C4551693, MONDO:0009101, OMIM 222300.

Allele frequency attached by ClinVar (database versions not stated): gnomAD exomes 0.00018; ExAC 0.00021; 1000 Genomes Project 30x 0.00062; gnomAD 0.00064 and 0.00068; TOPMed 0.00076; ESP Exome Variant Server 0.00077; 1000 Genomes Project 0.00080.
gnomAD v4.1: 216 of 1,612,790 alleles (0.013%); highest among the groups gnomAD compares: African/African-American, 0.26%; 1 homozygote.

Submissions (11):

Women's Health and Genetics/Laboratory Corporation of America, LabCorp
Classification: Likely benign. Last evaluated: 2026-01-27. Review status: criteria provided, single submitter. Criteria: LabCorp Variant Classification Summary - May 2015. Collection method: clinical testing. Allele origin: germline.
Comment: Variant summary: WFS1 c.2233G>A (p.Gly745Ser) results in a non-conservative amino acid change in the encoded protein sequence. Algorithms developed to predict the effect of missense changes on protein structure and function are either unavailable or do not agree on the potential impact of this missense change. The variant allele was found at a frequency of 0.00018 in 246034 control chromosomes, predominantly at a frequency of 0.0027 within the African or African-American subpopulation in the gnomAD database, including 1 homozygote. The observed variant frequency within African or African-American control individuals in the gnomAD database exceeds the estimated maximal expected allele frequency for disease-causing variants in WFS1. To our knowledge, no occurrence of c.2233G>A in individuals affected with WFS1-related conditions and no experimental evidence demonstrating its impact on protein function have been reported. ClinVar contains an entry for this variant (Variation ID: 215369). Based on the evidence outlined above, the variant was classified as likely benign.

Labcorp Genetics (formerly Invitae), Labcorp
Classification: Benign. Last evaluated: 2025-10-25. Review status: criteria provided, single submitter. Criteria: Invitae Variant Classification Sherloc (09022015). Collection method: clinical testing. Allele origin: germline.

ARUP Laboratories, Molecular Genetics and Genomics, ARUP Laboratories
Classification: Likely benign. Last evaluated: 2025-03-06. Review status: criteria provided, single submitter. Criteria: ARUP Molecular Germline Variant Investigation Process 2024. Collection method: clinical testing. Allele origin: germline.

Blueprint Genetics
Classification: Likely benign. Last evaluated: 2024-02-19. Review status: criteria provided, single submitter. Criteria: ACMG Guidelines, 2015. Collection method: clinical testing. Allele origin: germline.

Ambry Genetics
Classification: Likely benign for Inborn genetic diseases. Last evaluated: 2021-06-25. Review status: criteria provided, single submitter. Criteria: Ambry Variant Classification Scheme 2023. Collection method: clinical testing. Allele origin: germline.

GeneDx
Classification: Likely benign. Last evaluated: 2020-11-23. Review status: criteria provided, single submitter. Criteria: GeneDx Variant Classification Process June 2021. Collection method: clinical testing. Allele origin: germline. Affected: yes.

Personalized Diabetes Medicine Program, University of Maryland School of Medicine
Classification: Likely benign for Monogenic diabetes. Last evaluated: 2017-08-01. Review status: criteria provided, single submitter. Criteria: ACMG Guidelines, 2015. Collection method: research. Allele origin: unknown. Observed: 1 variant allele, 1 heterozygote. Study: Personalized Diabetes Medicine Program.
Comment: ACMG Criteria:BS2 (7 controls and 3 cases in T2DM), PP3 (3 predictors), BP4 (6 predictors), Called Likely Benign by InVitae and GeneDx

Eurofins Ntd Llc (ga)
Classification: Likely benign. Last evaluated: 2016-08-17. Review status: criteria provided, single submitter. Criteria: EGL Classification Definitions 2015. Collection method: clinical testing. Allele origin: germline. Observed: 1 variant allele, 1 heterozygote.

Laboratory for Molecular Medicine, Mass General Brigham Personalized Medicine
Classification: Likely benign. Last evaluated: 2015-08-05. Review status: criteria provided, single submitter. Criteria: LMM Criteria. Collection method: clinical testing. Allele origin: germline. Observed: 1 variant allele.
Comment: p.Gly745Ser in exon 8 of WFS1: This variant is not expected to have clinical sig nificance due to a lack of conservation across species, including mammals. Of no te, 4 mammals have a serine at this position despite high nearby amino acid cons ervation. Additional computational prediction tools do not suggest a high likeli hood of impact to the protein. It has also been identified in 0.2% (22/9142) of African chromosomes by the Exome Aggregation Consortium (ExAC; dbSNP rs139185707).

Clinical Genomics, Uppaluri K&H Personalized Medicine Clinic
Classification: Benign for Wolfram syndrome 1. Review status: criteria provided, single submitter. Criteria: K & H Uppaluri Personalized Medicine Clinic Variant Classification & Assertion Criteria_Updated V.1. Collection method: research. Allele origin: unknown. Inheritance: Autosomal recessive inheritance.
Comment: Potent mutations in WFS1 gene are associated with Wolfram's syndrome, an autosomal recessive condition, which cause diabetes mellitus, diabetes insipidus, deafness and optic atrophy. However no sufficient evidence is found to ascertain the role of this particular variant rs139185707 in Wolfram's syndrome yet.

PreventionGenetics, part of Exact Sciences
Classification: Likely benign for WFS1-related condition. Last evaluated: 2022-05-20. Review status: no assertion criteria provided. Collection method: clinical testing. Allele origin: germline. Not counted in ClinVar's aggregate classification.
Comment: This variant is classified as likely benign based on ACMG/AMP sequence variant interpretation guidelines (Richards et al. 2015 PMID: 25741868, with internal and published modifications).

Literature cited by the submitters: PubMed 20738327 (cited by Clinical Genomics, Uppaluri K&H Personalized Medicine Clinic); PubMed 33879153 (cited by Clinical Genomics, Uppaluri K&H Personalized Medicine Clinic); PubMed 12955714 (cited by Clinical Genomics, Uppaluri K&H Personalized Medicine Clinic); PubMed 18060660 (cited by Clinical Genomics, Uppaluri K&H Personalized Medicine Clinic); PubMed 20301750 (cited by Clinical Genomics, Uppaluri K&H Personalized Medicine Clinic); PubMed 17603484 (cited by Clinical Genomics, Uppaluri K&H Personalized Medicine Clinic).